The following is an entry in ClinVar:

ClinVar aggregate classification (germline): Uncertain significance (1 of 4 stars; one submission).

Conditions:
INTS6-related disorder. Also called: INTS6-related condition.

Submission:

PreventionGenetics, part of Exact Sciences
Classification: Uncertain significance for INTS6-related condition. Last evaluated: 2024-10-17. Review status: criteria provided, single submitter. Criteria: ACMG Guidelines, 2015. Collection method: clinical testing. Allele origin: germline.
Comment: The INTS6 c.688G>A variant is predicted to result in the amino acid substitution p.Gly230Arg. To our knowledge, this variant has not been reported in the literature or in a large population database (gnomAD), indicating this variant is rare. At this time, the clinical significance of this variant is uncertain due to the absence of conclusive functional and genetic evidence.

NM_012141.3(INTS6):c.688G>A (p.Gly230Arg)

Gene: INTS6 (integrator complex subunit 6; minus strand). Cytogenetic location: 13q14.3.
Variant type: single nucleotide variant.
Coding change: c.688G>A on transcript NM_012141.3 (MANE Select); coding-DNA position 688, G replaced by A.
Protein change: p.Gly230Arg; replaces glycine 230 with arginine.
Molecular consequence: missense variant.
Genome position (GRCh38, 1-based): chr13:51,389,370, C>T on the plus strand (G>A on the coding strand, the complement: INTS6 is on the minus strand). VCF-style: chr13-51389370-C-T. GRCh37 (hg19) VCF-style: chr13-51963506-C-T.
Other names: c.649G>A, p.Gly217Arg (NM_001039937.2); c.154G>A, p.Gly52Arg (NM_001306091.2); short protein forms G230R, G52R, G217R.
Identifiers: ClinVar variation 4997786 (VCV004997786.1).